The following is an entry in ClinVar:

NM_145068.4(TRPV3):c.*2087T>G

Genes: SPATA22 (spermatogenesis associated 22; minus strand), TRPV3 (transient receptor potential cation channel subfamily V member 3; minus strand). Cytogenetic location: 17p13.2.
Variant type: single nucleotide variant.
Coding change: c.*2087T>G on transcript NM_145068.4 (MANE Select); 2087 bases downstream of the stop codon, T replaced by G.
Molecular consequence: 3 prime UTR variant. On other transcripts: intron variant (2).
Genome position (GRCh38, 1-based): chr17:3,511,830, A>C on the plus strand (T>G on the coding strand, the complement: TRPV3 is on the minus strand). VCF-style: chr17-3511830-A-C. GRCh37 (hg19) VCF-style: chr17-3415124-A-C.
Other names: c.*2087T>G (NM_001258205.2); c.-74+1582T>G (NM_001321336.2, NM_001321337.2).
Identifiers: ClinVar variation 322702 (VCV000322702.7), dbSNP rs115011025, ClinGen allele CA10645349.

ClinVar aggregate classification (germline): Benign (1 of 4 stars; one submission).

Conditions:
Isolated focal non-epidermolytic palmoplantar keratoderma. Also called: Palmoplantar keratoderma, nonepidermolytic, focal 2. Identifiers: Orphanet 448264, MedGen C4225339, MONDO:0014622, OMIM 616400.

Allele frequency attached by ClinVar (database versions not stated): gnomAD 0.02462 and 0.02679; 1000 Genomes Project 0.02216; TOPMed 0.02862; 1000 Genomes Project 30x 0.02342.

Submission:

Illumina Laboratory Services, Illumina
Classification: Benign for Isolated focal non-epidermolytic palmoplantar keratoderma. Last evaluated: 2018-01-13. Review status: criteria provided, single submitter. Criteria: ICSL Variant Classification Criteria 13 December 2019. Collection method: clinical testing. Allele origin: germline.
Comment: This variant was observed in the ICSL laboratory as part of a predisposition screen in an ostensibly healthy population. It had not been previously curated by ICSL or reported in the Human Gene Mutation Database (HGMD: prior to June 1st, 2018), and was therefore a candidate for classification through an automated scoring system. Utilizing variant allele frequency, disease prevalence and penetrance estimates, and inheritance mode, an automated score was calculated to assess if this variant is too frequent to cause the disease. Based on the score and internal cut-off values, a variant classified as benign is not then subjected to further curation. The score for this variant resulted in a classification of benign for this disease.